The following is an entry in ClinVar:

ClinVar aggregate classification (germline): Pathogenic (1 of 4 stars; one submission).

Conditions:
Autosomal recessive nonsyndromic hearing loss 3. Also called: NEUROSENSORY NONSYNDROMIC RECESSIVE DEAFNESS 3. Identifiers: Orphanet 90636, MedGen C1838263, MONDO:0010860, OMIM 600316.

Submission:

Institute of Rare Diseases, West China Hospital, Sichuan University
Classification: Pathogenic for Autosomal recessive nonsyndromic hearing loss 3. Last evaluated: 2025-01-09. Review status: criteria provided, single submitter. Criteria: ClinGen HL ACMG Specifications v1. Collection method: research. Allele origin: germline. Affected: yes.
Comment: PVS1;PM3;PM2_Supporting

NM_016239.4(MYO15A):c.9304-1G>C

Gene: MYO15A (myosin XVA; plus strand). Cytogenetic location: 17p11.2.
Variant type: single nucleotide variant.
Coding change: c.9304-1G>C on transcript NM_016239.4 (MANE Select); the canonical splice acceptor site of the intron before coding-DNA position 9304, G replaced by C.
Molecular consequence: splice acceptor variant.
Genome position (GRCh38, 1-based): chr17:18,159,934, G>C. VCF-style: chr17-18159934-G-C. GRCh37 (hg19) VCF-style: chr17-18063248-G-C.
Identifiers: ClinVar variation 3601419 (VCV003601419.1).